The following is an entry in ClinVar:

NM_001145308.5(LRTOMT):c.51C>A (p.Pro17=)

Gene: LRTOMT (leucine rich transmembrane and O-methyltransferase domain containing; plus strand). Cytogenetic location: 11q13.4.
Variant type: single nucleotide variant.
Coding change: c.51C>A on transcript NM_001145308.5; coding-DNA position 51, C replaced by A.
Protein change: p.Pro17=; no amino-acid change (proline 17 retained).
Molecular consequence: synonymous variant.
Genome position (GRCh38, 1-based): chr11:72,104,980, C>A. VCF-style: chr11-72104980-C-A. GRCh37 (hg19) VCF-style: chr11-71816026-C-A.
Other names: c.51C>A, p.Pro17= (NM_001145309.4, NM_001145310.4).
Identifiers: ClinVar variation 4820925 (VCV004820925.4).

ClinVar aggregate classification (germline): Likely benign (1 of 4 stars; one submission).

Submission:

CeGaT Center for Human Genetics Tuebingen
Classification: Likely benign. Last evaluated: 2026-01-01. Review status: criteria provided, single submitter. Criteria: CeGaT Center For Human Genetics Tuebingen Variant Classification Criteria Version 2. Collection method: clinical testing. Allele origin: germline. Affected: yes. Observed: 1 variant allele.
Comment: LRTOMT: BP4, BP7